The following is an entry in ClinVar:

ClinVar aggregate classification (germline): Uncertain significance (1 of 4 stars; one submission).

Conditions:
Spongy degeneration of central nervous system. Also called: ACY2 DEFICIENCY; AMINOACYLASE 2 DEFICIENCY; ASP DEFICIENCY; ASPA DEFICIENCY; ASPARTOACYLASE DEFICIENCY; CANAVAN-VAN BOGAERT-BERTRAND DISEASE. Identifiers: Orphanet 141, MedGen C0206307, MONDO:0010079, OMIM 271900.

gnomAD v4.1: 3 of 1,614,170 alleles (0.00019%); no homozygotes.

Submission:

Labcorp Genetics (formerly Invitae), Labcorp
Classification: Uncertain significance for Spongy degeneration of central nervous system. Last evaluated: 2022-09-26. Review status: criteria provided, single submitter. Criteria: Invitae Variant Classification Sherloc (09022015). Collection method: clinical testing. Allele origin: germline.
Comment: This sequence change replaces glycine, which is neutral and non-polar, with arginine, which is basic and polar, at codon 45 of the ASPA protein (p.Gly45Arg). This variant is not present in population databases (gnomAD no frequency). This variant has not been reported in the literature in individuals affected with ASPA-related conditions. Advanced modeling of protein sequence and biophysical properties (such as structural, functional, and spatial information, amino acid conservation, physicochemical variation, residue mobility, and thermodynamic stability) performed at Invitae indicates that this missense variant is expected to disrupt ASPA protein function. In summary, the available evidence is currently insufficient to determine the role of this variant in disease. Therefore, it has been classified as a Variant of Uncertain Significance.

NM_000049.4(ASPA):c.133G>C (p.Gly45Arg)

Genes: ASPA (aspartoacylase; plus strand), SPATA22 (spermatogenesis associated 22; minus strand). Cytogenetic location: 17p13.2.
Variant type: single nucleotide variant.
Coding change: c.133G>C on transcript NM_000049.4 (MANE Select); coding-DNA position 133, G replaced by C.
Protein change: p.Gly45Arg; replaces glycine 45 with arginine.
Molecular consequence: missense variant. On other transcripts: intron variant (2).
Genome position (GRCh38, 1-based): chr17:3,476,292, G>C. VCF-style: chr17-3476292-G-C. GRCh37 (hg19) VCF-style: chr17-3379586-G-C.
Other names: c.133G>C, p.Gly45Arg (NM_001128085.1); c.-73-6894C>G (NM_001321336.2, NM_001321337.2); short protein forms G45R.
Identifiers: ClinVar variation 1926807 (VCV001926807.2), dbSNP rs2543606747, ClinGen allele CA397681287.